The following is an entry in ClinVar:

NM_006180.6(NTRK2):c.2172G>A (p.Arg724=)

Gene: NTRK2 (neurotrophic receptor tyrosine kinase 2; plus strand). Cytogenetic location: 9q21.33.
Variant type: single nucleotide variant.
Coding change: c.2172G>A on transcript NM_006180.6 (MANE Select); coding-DNA position 2172, G replaced by A.
Protein change: p.Arg724=; no amino-acid change (arginine 724 retained).
Molecular consequence: synonymous variant.
Genome position (GRCh38, 1-based): chr9:84,955,517, G>A. VCF-style: chr9-84955517-G-A. GRCh37 (hg19) VCF-style: chr9-87570432-G-A.
Other names: c.2124G>A, p.Arg708= (NM_001018064.3, NM_001369532.1, NM_001369533.1); c.2088G>A, p.Arg696= (NM_001369534.1); c.1656G>A, p.Arg552= (NM_001369535.1); c.1704G>A, p.Arg568= (NM_001369536.1); c.2172G>A, p.Arg724= (NM_001381928.1).
Identifiers: ClinVar variation 1929098 (VCV001929098.5), dbSNP rs2132979988, ClinGen allele CA465983965.

ClinVar aggregate classification (germline): Uncertain significance (1 of 4 stars; one submission).

Allele frequency attached by ClinVar (database versions not stated): gnomAD exomes below 0.00001.
gnomAD v4.1: 1 of 1,611,984 alleles (0.000062%); highest among the groups gnomAD compares: Admixed American, 0.0017%; no homozygotes.

Submission:

Labcorp Genetics (formerly Invitae), Labcorp
Classification: Uncertain significance. Last evaluated: 2025-02-24. Review status: criteria provided, single submitter. Criteria: Invitae Variant Classification Sherloc (09022015). Collection method: clinical testing. Allele origin: germline.
Comment: This sequence change affects codon 724 of the NTRK2 mRNA. It is a 'silent' change, meaning that it does not change the encoded amino acid sequence of the NTRK2 protein. This variant also falls at the last nucleotide of exon 19, which is part of the consensus splice site for this exon. This variant is not present in population databases (gnomAD no frequency). This variant has not been reported in the literature in individuals affected with NTRK2-related conditions. ClinVar contains an entry for this variant (Variation ID: 1929098). Variants that disrupt the consensus splice site are a relatively common cause of aberrant splicing (PMID: 17576681, 9536098). Algorithms developed to predict the effect of sequence changes on RNA splicing suggest that this variant is not likely to affect RNA splicing. In summary, the available evidence is currently insufficient to determine the role of this variant in disease. Therefore, it has been classified as a Variant of Uncertain Significance.

Literature cited by the submitters: PubMed 17576681; PubMed 9536098.